The following is an entry in ClinVar:

NM_003334.4(UBA1):c.2359G>A (p.Val787Met)

Gene: UBA1 (ubiquitin like modifier activating enzyme 1; plus strand). Cytogenetic location: Xp11.3.
Variant type: single nucleotide variant.
Coding change: c.2359G>A on transcript NM_003334.4 (MANE Select); coding-DNA position 2359, G replaced by A.
Protein change: p.Val787Met; replaces valine 787 with methionine.
Molecular consequence: missense variant.
Genome position (GRCh38, 1-based): chrX:47,211,120, G>A. VCF-style: chrX-47211120-G-A. GRCh37 (hg19) VCF-style: chrX-47070519-G-A.
Other names: p.Val787Met; c.2359G>A, p.Val787Met (NM_153280.3); short protein forms V787M.
Identifiers: ClinVar variation 851555 (VCV000851555.10), dbSNP rs1204889932, ClinGen allele CA412808625.
Genomic context (GRCh38, chrX:47,211,120, plus strand): 5'-GCTGCTGCCAACCTGTTTGCCCAGACCTACGGGCTGACAGGCTCTCAGGACCGAGCTGCT[G>A]TGGCCACATTCCTGCAGTCTGTGCAGGTCCCCGAATTCACCCCCAAGTCTGGCGTCAAGA-3'
Protein context (NP_003325.2, residues 777-797): GLTGSQDRAA[Val787Met]ATFLQSVQVP

ClinVar aggregate classification (germline): Uncertain significance. Review status: criteria provided, multiple submitters, no conflicts (2 of 4 stars). 2 submissions from 2 submitters: Uncertain significance (2). Last evaluated 2024-07-05.

Conditions:
Infantile-onset X-linked spinal muscular atrophy. Also called: ARTHROGRYPOSIS, X-LINKED, TYPE I; SPINAL MUSCULAR ATROPHY, X-LINKED LETHAL INFANTILE; AMC, DISTAL, X-LINKED; Spinal muscular atrophy, X-linked 2; Spinal Muscular Atrophy, X-Linked Infantile. Identifiers: Orphanet 1145, MedGen C1844934, MONDO:0010532, OMIM 301830.

Allele frequency attached by ClinVar (database versions not stated): gnomAD exomes below 0.00001 and 0.00001; TOPMed 0.00001; gnomAD 0.00003.
gnomAD v4.1: 5 of 1,210,130 alleles (0.00041%); highest among the groups gnomAD compares: Admixed American, 0.011%; no homozygotes.

Submissions (2):

Mayo Clinic Laboratories, Mayo Clinic
Classification: Uncertain significance. Last evaluated: 2024-07-05. Review status: criteria provided, single submitter. Criteria: ACMG Guidelines, 2015. Collection method: clinical testing. Allele origin: germline. Observed: 3 variant alleles.
Comment: BP4

Labcorp Genetics (formerly Invitae), Labcorp
Classification: Uncertain significance for Infantile-onset X-linked spinal muscular atrophy. Last evaluated: 2023-12-06. Review status: criteria provided, single submitter. Criteria: Invitae Variant Classification Sherloc (09022015). Collection method: clinical testing. Allele origin: germline.
Comment: This sequence change replaces valine, which is neutral and non-polar, with methionine, which is neutral and non-polar, at codon 787 of the UBA1 protein (p.Val787Met). This variant is present in population databases (no rsID available, gnomAD 0.004%), including at least one homozygous and/or hemizygous individual. This variant has not been reported in the literature in individuals affected with UBA1-related conditions. ClinVar contains an entry for this variant (Variation ID: 851555). An algorithm developed to predict the effect of missense changes on protein structure and function (PolyPhen-2) suggests that this variant is likely to be disruptive. In summary, the available evidence is currently insufficient to determine the role of this variant in disease. Therefore, it has been classified as a Variant of Uncertain Significance.